The following is an entry in ClinVar:

ClinVar aggregate classification (germline): Uncertain significance (1 of 4 stars; one submission).

Submission:

Ambry Genetics
Classification: Uncertain significance. Last evaluated: 2026-08-29. Review status: criteria provided, single submitter. Criteria: Ambry Variant Classification Scheme 2023. Collection method: clinical testing. Allele origin: germline.
Comment: The p.S264G variant (also known as c.790A>G), located in coding exon 6 of the RNF43 gene, results from an A to G substitution at nucleotide position 790. The serine at codon 264 is replaced by glycine, an amino acid with similar properties. This amino acid position is conserved. In addition, this alteration is predicted to be tolerated by in silico analysis. Based on the available evidence, the clinical significance of this variant remains unclear.

NM_017763.6(RNF43):c.790A>G (p.Ser264Gly)

Gene: RNF43 (ring finger protein 43; minus strand). Cytogenetic location: 17q22.
Variant type: single nucleotide variant.
Coding change: c.790A>G on transcript NM_017763.6 (MANE Select); coding-DNA position 790, A replaced by G.
Protein change: p.Ser264Gly; replaces serine 264 with glycine.
Molecular consequence: missense variant.
Genome position (GRCh38, 1-based): chr17:58,360,842, T>C on the plus strand (A>G on the coding strand, the complement: RNF43 is on the minus strand). VCF-style: chr17-58360842-T-C. GRCh37 (hg19) VCF-style: chr17-56438203-T-C.
Other names: c.790A>G, p.Ser264Gly (NM_001305544.3, NM_001438820.1, NM_001438821.1 and 1 more transcripts); c.409A>G, p.Ser137Gly (NM_001305545.2, NM_001437987.1); short protein forms S137G, S264G.
Identifiers: ClinVar variation 5028358 (VCV005028358.1).